The following is an entry in ClinVar:

NM_000551.4(VHL):c.23G>T (p.Trp8Leu)

Gene: VHL (von Hippel-Lindau tumor suppressor; plus strand). Cytogenetic location: 3p25.3.
Variant type: single nucleotide variant.
Coding change: c.23G>T on transcript NM_000551.4 (MANE Select); coding-DNA position 23, G replaced by T.
Protein change: p.Trp8Leu; replaces tryptophan 8 with leucine.
Molecular consequence: missense variant.
Genome position (GRCh38, 1-based): chr3:10,141,870, G>T. VCF-style: chr3-10141870-G-T. GRCh37 (hg19) VCF-style: chr3-10183554-G-T.
Other names: c.23G>T, p.Trp8Leu (NM_001354723.2, NM_198156.3); short protein forms W8L.
Identifiers: ClinVar variation 936341 (VCV000936341.10), dbSNP rs1060503551, ClinGen allele CA351747063.
Genomic context (GRCh38, chr3:10,141,870, plus strand): 5'-CGCGGCGTCCGGCCCGGGTGGTCTGGATCGCGGAGGGAATGCCCCGGAGGGCGGAGAACT[G>T]GGACGAGGCCGAGGTAGGCGCGGAGGAGGCAGGCGTCGAAGAGTACGGCCCTGAAGAAGA-3'
Protein context (NP_000542.1, residues 1-18): MPRRAEN[Trp8Leu]DEAEVGAEEA

ClinVar aggregate classification (germline): Uncertain significance (1 of 4 stars; one submission).

Conditions:
Von Hippel-Lindau syndrome (VHLS). Also called: VHL syndrome; Von Hippel-Lindau; von Hippel–Lindau syndrome. Identifiers: Orphanet 892, MedGen C0019562, MONDO:0008667, OMIM 193300. Disease mechanism: loss of function.
Chuvash polycythemia. Also called: POLYCYTHEMIA, VHL-DEPENDENT. Identifiers: Orphanet 238557, MedGen C1837915, MONDO:0009892, OMIM 263400.

Allele frequency attached by ClinVar (database versions not stated): gnomAD exomes below 0.00001.

Submission:

Labcorp Genetics (formerly Invitae), Labcorp
Classification: Uncertain significance for Von Hippel-Lindau syndrome; Chuvash polycythemia. Last evaluated: 2019-08-21. Review status: criteria provided, single submitter. Criteria: Invitae Variant Classification Sherloc (09022015). Collection method: clinical testing. Allele origin: germline.
Comment: Algorithms developed to predict the effect of missense changes on protein structure and function output the following: SIFT: "Tolerated"; PolyPhen-2: "Benign"; Align-GVGD: "Class C0". The leucine amino acid residue is found in multiple mammalian species, suggesting that this missense change does not adversely affect protein function. These predictions have not been confirmed by published functional studies and their clinical significance is uncertain. This variant has not been reported in the literature in individuals with VHL-related conditions. In summary, the available evidence is currently insufficient to determine the role of this variant in disease. Therefore, it has been classified as a Variant of Uncertain Significance. This sequence change replaces tryptophan with leucine at codon 8 of the VHL protein (p.Trp8Leu). The tryptophan residue is weakly conserved and there is a small physicochemical difference between tryptophan and leucine. The frequency data for this variant in the population databases is considered unreliable, as metrics indicate insufficient coverage at this position in the ExAC database.